The following is an entry in ClinVar:

NM_003718.5(CDK13):c.3863G>A (p.Ser1288Asn)

Gene: CDK13 (cyclin dependent kinase 13; plus strand). Cytogenetic location: 7p14.1.
Variant type: single nucleotide variant.
Coding change: c.3863G>A on transcript NM_003718.5 (MANE Select); coding-DNA position 3863, G replaced by A.
Protein change: p.Ser1288Asn; replaces serine 1288 with asparagine.
Molecular consequence: missense variant.
Genome position (GRCh38, 1-based): chr7:40,094,304, G>A. VCF-style: chr7-40094304-G-A. GRCh37 (hg19) VCF-style: chr7-40133903-G-A.
Other names: c.3683G>A, p.Ser1228Asn (NM_031267.4); short protein forms S1228N, S1288N.
Identifiers: ClinVar variation 3369538 (VCV003369538.1).

ClinVar aggregate classification (germline): Uncertain significance (1 of 4 stars; one submission).

Submission:

GeneDx
Classification: Uncertain significance. Last evaluated: 2024-02-20. Review status: criteria provided, single submitter. Criteria: GeneDx Variant Classification Process June 2021. Collection method: clinical testing. Allele origin: germline. Affected: yes.
Comment: Not observed at significant frequency in large population cohorts (gnomAD); In silico analysis supports that this missense variant does not alter protein structure/function; Has not been previously published as pathogenic or benign to our knowledge